The following is an entry in ClinVar:

ClinVar aggregate classification (germline): Likely benign (0 of 4 stars; one submission).

Conditions:
NOP56-related disorder. Also called: NOP56-related condition.

Submission:

PreventionGenetics, part of Exact Sciences
Classification: Likely benign for NOP56-related condition. Last evaluated: 2019-02-25. Review status: no assertion criteria provided. Collection method: clinical testing. Allele origin: germline.
Comment: This variant is classified as likely benign based on ACMG/AMP sequence variant interpretation guidelines (Richards et al. 2015 PMID: 25741868, with internal and published modifications).

NM_006392.4(NOP56):c.1746GAA[2] (p.Lys586del)

Gene: NOP56 (NOP56 ribonucleoprotein; plus strand). Cytogenetic location: 20p13.
Variant type: Microsatellite.
Coding change: c.1746GAA[2] on transcript NM_006392.4 (MANE Select); two copies in a row of the 3-base unit GAA starting at c.1746; the reference has three copies in a row; one copy, 3 bases deleted.
Protein change: p.Lys586del; deletes lysine 586.
Molecular consequence: non-coding transcript variant (on NR_027700.3).
Genome position (GRCh38, 1-based): chr20:2,658,261-2,658,263, GAA deleted; deleting any 3 consecutive bases within chr20:2,658,253-2,658,263 gives the same sequence; the position shown is the placement nearest the transcript's 3' end. VCF-style (leftmost placement, unchanged base first): chr20-2658252-CAAG-C. GRCh37 (hg19) VCF-style: chr20-2638898-CAAG-C.
Other names: short protein forms K586del.
Identifiers: ClinVar variation 3047363 (VCV003047363.2), dbSNP rs745419060, ClinGen allele CA9734946.
Genomic context (GRCh38, chr20:2,658,252, plus strand): 5'-ATTCTCCAAAGAGGAGCCGGTCAGCAGTGGGCCTGAAGAGGCGGTTGGCAAGAGCAGCTC[CAAG>C]AAGAAGAAAAAGTTCCATAAAGCATCCCAGGAAGATTAGAATGCAAATGGACATTCTCTG-3'